The following is an entry in ClinVar:

ClinVar aggregate classification (germline): Uncertain significance (1 of 4 stars; one submission).

Submission:

Labcorp Genetics (formerly Invitae), Labcorp
Classification: Uncertain significance. Last evaluated: 2023-03-17. Review status: criteria provided, single submitter. Criteria: Invitae Variant Classification Sherloc (09022015). Collection method: clinical testing. Allele origin: germline.
Comment: This sequence change replaces phenylalanine, which is neutral and non-polar, with valine, which is neutral and non-polar, at codon 447 of the NACC1 protein (p.Phe447Val). In summary, the available evidence is currently insufficient to determine the role of this variant in disease. Therefore, it has been classified as a Variant of Uncertain Significance. Advanced modeling of protein sequence and biophysical properties (such as structural, functional, and spatial information, amino acid conservation, physicochemical variation, residue mobility, and thermodynamic stability) performed at Invitae indicates that this missense variant is not expected to disrupt NACC1 protein function. This variant has not been reported in the literature in individuals affected with NACC1-related conditions. This variant is not present in population databases (gnomAD no frequency).

NM_052876.4(NACC1):c.1339T>G (p.Phe447Val)

Gene: NACC1 (nucleus accumbens associated 1; plus strand). Cytogenetic location: 19p13.13.
Variant type: single nucleotide variant.
Coding change: c.1339T>G on transcript NM_052876.4 (MANE Select); coding-DNA position 1339, T replaced by G.
Protein change: p.Phe447Val; replaces phenylalanine 447 with valine.
Molecular consequence: missense variant.
Genome position (GRCh38, 1-based): chr19:13,138,161, T>G. VCF-style: chr19-13138161-T-G. GRCh37 (hg19) VCF-style: chr19-13248975-T-G.
Other names: short protein forms F447V.
Identifiers: ClinVar variation 2846651 (VCV002846651.3), dbSNP rs2513139425, ClinGen allele CA404329877.